The following is an entry in ClinVar:

NM_001048174.2(MUTYH):c.469C>T (p.Arg157Trp)

Gene: MUTYH (mutY DNA glycosylase; minus strand). Cytogenetic location: 1p34.1.
Variant type: single nucleotide variant.
Coding change: c.469C>T on transcript NM_001048174.2 (MANE Select); coding-DNA position 469, C replaced by T.
Protein change: p.Arg157Trp; replaces arginine 157 with tryptophan.
Molecular consequence: missense variant. On other transcripts: non-coding transcript variant (2).
Genome position (GRCh38, 1-based): chr1:45,332,786, G>A on the plus strand (C>T on the coding strand, the complement: MUTYH is on the minus strand). VCF-style: chr1-45332786-G-A. GRCh37 (hg19) VCF-style: chr1-45798458-G-A.
Other names: c.469C>T, p.Arg157Trp (NM_001048171.2, NM_001048173.2, NM_001293195.2); c.472C>T, p.Arg158Trp (NM_001048172.2); c.553C>T, p.Arg185Trp (NM_001128425.2); c.514C>T, p.Arg172Trp (NM_001293190.2); c.502C>T, p.Arg168Trp (NM_001293191.2); c.193C>T, p.Arg65Trp (NM_001293192.2, NM_001293196.2); c.124C>T, p.Arg42Trp (NM_001350650.2, NM_001350651.2); c.544C>T, p.Arg182Trp (NM_012222.3); short protein forms R185W, R65W, R158W, R168W, R172W, R157W, R182W, R42W.
Identifiers: ClinVar variation 419386 (VCV000419386.71), dbSNP rs750592289, ClinGen allele CA058212.

ClinVar aggregate classification (germline): Conflicting classifications of pathogenicity. Review status: criteria provided, conflicting classifications (1 of 4 stars). 11 submissions from 11 submitters: Likely pathogenic (4); Uncertain significance (4); Benign (1). 2 of the submissions do not count toward it. Last evaluated 2025-12-15.

Conditions:
Familial adenomatous polyposis 2. Also called: ADENOMAS, MULTIPLE COLORECTAL, AUTOSOMAL RECESSIVE; Adenomas, multiple colorectal; MUTYH-associated polyposis; MUTYH Polyposis; COLORECTAL ADENOMATOUS POLYPOSIS, AUTOSOMAL RECESSIVE; FAP type 2. Identifiers: Orphanet 220460, Orphanet 247798, MedGen C3272841, MONDO:0012041, OMIM 608456.
Gastric cancer. Also called: Malignant tumor of stomach; Stomach cancer. Identifiers: MedGen C0024623, MeSH D013274, MONDO:0001056, OMIM 613659, HP:0012126.
Hereditary cancer-predisposing syndrome. Also called: Tumor predisposition; Hereditary neoplastic syndrome; Hereditary Cancer Syndrome; Neoplastic Syndromes, Hereditary. Identifiers: Orphanet 140162, MedGen C0027672, MeSH D009386, MONDO:0015356.
Familial cancer of breast. Also called: hereditary breast carcinoma; BREAST CANCER, FAMILIAL; Hereditary breast cancer. Identifiers: Orphanet 227535, MedGen C0346153, MONDO:0016419, OMIM 114480. Disease mechanism: loss of function.
Breast carcinoma. Also called: Carcinoma of breast. Identifiers: MedGen C0678222, MONDO:0004989, HP:0003002.

Allele frequency attached by ClinVar (database versions not stated): ExAC 0.00001; gnomAD exomes 0.00001; TOPMed 0.00001.

Submissions (11):

Labcorp Genetics (formerly Invitae), Labcorp
Classification: Uncertain significance for Familial adenomatous polyposis 2. Last evaluated: 2025-12-15. Review status: criteria provided, single submitter. Criteria: Invitae Variant Classification Sherloc (09022015). Collection method: clinical testing. Allele origin: germline.
Comment: This sequence change replaces arginine, which is basic and polar, with tryptophan, which is neutral and slightly polar, at codon 185 of the MUTYH protein (p.Arg185Trp). This variant is present in population databases (rs750592289, gnomAD 0.004%). This missense change has been observed in individual(s) with polyposis, colorectal cancer, and/or breast cancer (PMID: 18091433, 32658311). ClinVar contains an entry for this variant (Variation ID: 419386). An algorithm developed to predict the effect of missense changes on protein structure and function outputs the following: PolyPhen-2: "Possibly Damaging". The tryptophan amino acid residue is found in multiple mammalian species, which suggests that this missense change does not adversely affect protein function. Experimental studies have shown that this missense change affects MUTYH function (PMID: 19953527, 20418187, 22252118). In summary, the available evidence is currently insufficient to determine the role of this variant in disease. Therefore, it has been classified as a Variant of Uncertain Significance.

Myriad Genetics, Inc.
Classification: Likely pathogenic for Familial adenomatous polyposis 2. Last evaluated: 2025-10-30. Review status: criteria provided, single submitter. Criteria: Myriad Autosomal Dominant, Autosomal Recessive and X-Linked Classification Criteria (2023). Collection method: clinical testing. Allele origin: unknown.
Comment: This variant is considered likely pathogenic. Functional studies indicate this variant impacts protein function [PMID: 19953527, 20418187]. This variant is expected to disrupt protein structure [Myriad internal data].

Ambry Genetics
Classification: Benign for Hereditary cancer-predisposing syndrome. Last evaluated: 2025-09-15. Review status: criteria provided, single submitter. Criteria: Ambry Variant Classification Scheme 2023. Collection method: clinical testing. Allele origin: germline.

Baylor Genetics
Classification: Uncertain significance for Familial adenomatous polyposis 2. Last evaluated: 2024-03-26. Review status: criteria provided, single submitter. Criteria: ACMG Guidelines, 2015. Collection method: clinical testing. Allele origin: unknown.

All of Us Research Program, National Institutes of Health
Classification: Uncertain significance for Familial adenomatous polyposis 2. Last evaluated: 2023-06-26. Review status: criteria provided, single submitter. Criteria: ACMG Guidelines, 2015. Collection method: clinical testing. Allele origin: germline. Inheritance: Autosomal recessive inheritance. Observed: 4 variant alleles, 4 heterozygotes.
Comment: This missense variant replaces arginine with tryptophan at codon 185 of the MUTYH protein. Computational prediction is inconclusive regarding the impact of this variant on protein structure and function (internally defined REVEL score threshold 0.5 < inconclusive < 0.7, PMID: 27666373). Functional studies have shown that this variant has no detectable glycosylase activity and reduced substrate binding (PMID: 19953527, 20418187). This variant has been reported in individuals affected with colorectal cancer and polyposis (PMID: 18091433) or breast cancer (PMID: 32658311). This variant has been identified in 2/251446 chromosomes in the general population by the Genome Aggregation Database (gnomAD). The available evidence is insufficient to determine the role of this variant in disease conclusively. Therefore, this variant is classified as a Variant of Uncertain Significance.

This study involves interpretation of variants in research participants for the purpose of population health screening. Participant phenotype was not available at the time of variant classification. Additional details can be found in publication PMID: 35346344, PMCID: PMC8962531

Color Diagnostics, LLC DBA Color Health
Classification: Uncertain significance for Hereditary cancer-predisposing syndrome. Last evaluated: 2023-03-22. Review status: criteria provided, single submitter. Criteria: ACMG Guidelines, 2015. Collection method: clinical testing. Allele origin: germline.
Comment: This missense variant replaces arginine with tryptophan at codon 185 of the MUTYH protein. Computational prediction is inconclusive regarding the impact of this variant on protein structure and function (internally defined REVEL score threshold 0.5 < inconclusive < 0.7, PMID: 27666373). Functional studies have shown that this variant has no detectable glycosylase activity and reduced substrate binding (PMID: 19953527, 20418187). This variant has been reported in individuals affected with colorectal cancer and polyposis (PMID: 18091433) or breast cancer (PMID: 32658311). This variant has been identified in 2/251446 chromosomes in the general population by the Genome Aggregation Database (gnomAD). The available evidence is insufficient to determine the role of this variant in disease conclusively. Therefore, this variant is classified as a Variant of Uncertain Significance.

Department of Pathology and Laboratory Medicine, Sinai Health System
Classification: Likely pathogenic for Familial adenomatous polyposis 2; Gastric cancer. Last evaluated: 2021-03-16. Review status: criteria provided, single submitter. Criteria: ACMG Guidelines, 2015. Collection method: clinical testing. Allele origin: germline. Affected: yes.

GeneDx
Classification: Likely pathogenic. Last evaluated: 2019-11-12. Review status: criteria provided, single submitter. Criteria: GeneDx Variant Classification Process June 2021. Collection method: clinical testing. Allele origin: germline. Affected: yes.
Comment: Not observed at a significant frequency in large population cohorts (Lek 2016); In silico analysis, which includes protein predictors and evolutionary conservation, supports a deleterious effect; Also known as c.511C>T, p.Arg171Trp; This variant is associated with the following publications: (PMID: 19953527, 25820570, 18091433, 20418187, 25638157, 32658311)

CeGaT Center for Human Genetics Tuebingen
Classification: Likely pathogenic. Last evaluated: 2018-08-01. Review status: criteria provided, single submitter. Criteria: CeGaT Center For Human Genetics Tuebingen Variant Classification Criteria Version 2. Collection method: clinical testing. Allele origin: germline. Affected: yes. Observed: 1 variant allele.

Medical Genetics Laboratory, Umraniye Training and Research Hospital, University of Health Sciences
Classification: Pathogenic for Breast carcinoma. Last evaluated: 2021-09-10. Review status: no assertion criteria provided. Collection method: clinical testing. Allele origin: germline. Inheritance: Autosomal recessive inheritance. Affected: yes. Observed: 1 heterozygote. Not counted in ClinVar's aggregate classification.

Center of Medical Genetics and Primary Health Care
Classification: Uncertain significance for Familial cancer of breast. Last evaluated: 2020-07-15. Review status: no assertion criteria provided. Collection method: research. Allele origin: germline. Affected: yes. Observed: 1 heterozygote. Not counted in ClinVar's aggregate classification.
Comment: ACMG Guidelines 2015 criteria The MUTYH gene variant p.Arg185Trp is in exon 7 and in the HhH-GPD domain (V118-249W aa) with a function in base-excision repair (PMID: 10706276). Experimental studies showed this missense change abolishes the glycosylase activity of the MUTYH protein (PMID: 20418187, 19953527) (PS3 Pathogenic Strong). It is in a mutation hotspot of 7 pathogenic, including missense pathogenic variants (PM1 Pathogenic Moderate). The allele frequency in GnomAD exomes is 0.00000795 which is less the threshold 0.0001 for recessive gene MUTYH, and the variant is not found in GnomAD genomes (PM2 Pathogenic Moderate). Meantime, majority of missense variants detected in MUTYH are pathogenic and known cause of disease (PP2 Pathogenic Supporting). Based on the evidence above we classified this variant as a Variant of Unknown Significance.

Literature cited by the submitters: PubMed 18091433 (cited by 5 submitters); PubMed 32658311 (cited by 3 submitters); PubMed 19953527 (cited by 6 submitters); PubMed 20418187 (cited by 6 submitters); PubMed 22252118 (cited by Labcorp Genetics (formerly Invitae), Labcorp); PubMed 16287072 (cited by Ambry Genetics); PubMed 25820570 (cited by Ambry Genetics).